The following is an entry in ClinVar:

ClinVar aggregate classification (germline): Benign. Review status: criteria provided, multiple submitters, no conflicts (2 of 4 stars). 2 submissions from 2 submitters: Benign (2). Last evaluated 2016-06-16.

Allele frequency attached by ClinVar (database versions not stated): 1000 Genomes Project 0.01617; 1000 Genomes Project 30x 0.01765; TOPMed 0.02006; ESP Exome Variant Server 0.01608; gnomAD 0.01858.
gnomAD v4.1: 5,249 of 1,610,174 alleles (0.33%); highest among the groups gnomAD compares: African/African-American, 6.2%; 165 homozygotes.

Submissions (2):

GeneDx
Classification: Benign. Last evaluated: 2016-06-16. Review status: criteria provided, single submitter. Criteria: GeneDx Variant Classification (06012015). Collection method: clinical testing. Allele origin: germline. Affected: yes.
Comment: This variant is considered likely benign or benign based on one or more of the following criteria: it is a conservative change, it occurs at a poorly conserved position in the protein, it is predicted to be benign by multiple in silico algorithms, and/or has population frequency not consistent with disease.

Breakthrough Genomics
Classification: Benign. Review status: criteria provided, single submitter. Criteria: ACMG Guidelines, 2015. Collection method: not provided. Allele origin: germline. Inheritance: Autosomal recessive inheritance. Affected: yes.

NM_002768.5(CHMP1A):c.-31C>T

Gene: CHMP1A (charged multivesicular body protein 1A; minus strand). Cytogenetic location: 16q24.3.
Variant type: single nucleotide variant.
Coding change: c.-31C>T on transcript NM_002768.5 (MANE Select); 31 bases upstream of the start codon, C replaced by T.
Molecular consequence: 5 prime UTR variant. On other transcripts: non-coding transcript variant (1).
Genome position (GRCh38, 1-based): chr16:89,657,619, G>A on the plus strand (C>T on the coding strand, the complement: CHMP1A is on the minus strand). VCF-style: chr16-89657619-G-A. GRCh37 (hg19) VCF-style: chr16-89724027-G-A.
Other names: c.-31C>T (NM_001083314.4).
Identifiers: ClinVar variation 384617 (VCV000384617.2), dbSNP rs73262948, ClinGen allele CA8247259.
Genomic context (GRCh38, chr16:89,657,619, plus strand): 5'-GGAGGACGGCCGCGACCTCTTACCGTCCATGGCCACAATGACAGGAGCAGCACTCGGAGA[G>A]GGAGAAGGGACGCCAACTCCGGGCGGTGTCAGGTCCCGGCGGCGATCGAACCGACCAAGC-3'